The following is an entry in ClinVar:

ClinVar aggregate classification (germline): Uncertain significance (1 of 4 stars; one submission).

Submission:

Quest Diagnostics Nichols Institute San Juan Capistrano
Classification: Uncertain significance. Last evaluated: 2023-12-15. Review status: criteria provided, single submitter. Criteria: Quest Diagnostics criteria. Collection method: clinical testing. Allele origin: unknown.
Comment: The RAD51C c.572-7G>T variant has not been reported in individuals with RAD51C-related conditions in the published literature. It also has not been reported in large, multi-ethnic general populations (Genome Aggregation Database). Analysis of this variant using software algorithms for the prediction of the effect of nucleotide changes on splicing yielded predictions that this variant does not affect RAD51C mRNA splicing. Based on the available information, we are unable to determine the clinical significance of this variant.

NM_058216.3(RAD51C):c.572-7G>T

Gene: RAD51C (RAD51 paralog C; plus strand). Cytogenetic location: 17q22.
Variant type: single nucleotide variant.
Coding change: c.572-7G>T on transcript NM_058216.3 (MANE Select); 7 bases into the intron before coding-DNA position 572, G replaced by T.
Molecular consequence: intron variant.
Genome position (GRCh38, 1-based): chr17:58,703,189, G>T. VCF-style: chr17-58703189-G-T. GRCh37 (hg19) VCF-style: chr17-56780550-G-T.
Identifiers: ClinVar variation 3572316 (VCV003572316.1).